The following is an entry in ClinVar:

NM_001009944.3(PKD1):c.9559G>A (p.Asp3187Asn)

Gene: PKD1 (polycystin 1, transient receptor potential channel interacting; minus strand). Cytogenetic location: 16p13.3.
Variant type: single nucleotide variant.
Coding change: c.9559G>A on transcript NM_001009944.3 (MANE Select); coding-DNA position 9559, G replaced by A.
Protein change: p.Asp3187Asn; replaces aspartic acid 3187 with asparagine.
Molecular consequence: missense variant.
Genome position (GRCh38, 1-based): chr16:2,100,405, C>T on the plus strand (G>A on the coding strand, the complement: PKD1 is on the minus strand). VCF-style: chr16-2100405-C-T. GRCh37 (hg19) VCF-style: chr16-2150406-C-T.
Other names: p.Asp3187Asn; c.9559G>A, p.Asp3187Asn (NM_000296.4); short protein forms D3187N.
Identifiers: ClinVar variation 3380346 (VCV003380346.4).

ClinVar aggregate classification (germline): Conflicting classifications of pathogenicity. Review status: criteria provided, conflicting classifications (1 of 4 stars). 4 submissions from 4 submitters: Likely pathogenic (1); Uncertain significance (3). Last evaluated 2025-11-20.

Conditions:
Polycystic kidney disease, adult type (PKD1). Also called: Polycystic Kidney Disease 1, Autosomal Dominant; Polycystic kidney disease 1; Polycystic kidney disease 1, severe; POLYCYSTIC KIDNEY DISEASE 1 WITH OR WITHOUT POLYCYSTIC LIVER DISEASE; POLYCYSTIC KIDNEY DISEASE, ADULT, TYPE I; Polycystic Kidney, Autosomal Dominant. Identifiers: MedGen C3149841, MONDO:0008263, OMIM 173900.

gnomAD v4.1: 3 of 1,611,292 alleles (0.00019%); highest among the groups gnomAD compares: Non-Finnish European, 0.00025%; no homozygotes.

Submissions (4):

3billion
Classification: Uncertain significance for Polycystic kidney disease, adult type. Last evaluated: 2025-11-20. Review status: criteria provided, single submitter. Criteria: ACMG Guidelines, 2015. Collection method: clinical testing. Allele origin: germline. Affected: yes.
Comment: The variant is observed at an extremely low frequency in the gnomAD v4.1.0 dataset (total allele frequency: <0.001%). Predicted Consequence/Location: Missense variant In silico tool predictions suggest damaging effect of the variant on gene or gene product [REVEL: 0.56 (>=0.6, sensitivity 0.68 and specificity 0.92); 3Cnet: 0.95 (> 0.75, sensitivity 0.96 and precision 0.92)]. The same nucleotide change resulting in the same amino acid change has been previously reported to be associated with PKD1-related disorder (ClinVar ID: VCV003380346). Different missense changes at the same codon (p.Asp3187Gly, p.Asp3187Tyr) have been reported to be associated with PKD1-related disorder (ClinVar ID: VCV001806190 /PMID: 37509056). However the evidence of pathogenicity is insufficient at this time. Therefore, this variant is classified as VUS according to the recommendation of ACMG/AMP guideline.

Mayo Clinic Laboratories, Mayo Clinic
Classification: Uncertain significance. Last evaluated: 2024-07-01. Review status: criteria provided, single submitter. Criteria: ACMG Guidelines, 2015. Collection method: clinical testing. Allele origin: germline. Observed: 2 variant alleles.
Comment: PM2

Fulgent Genetics
Classification: Likely pathogenic for Polycystic kidney disease, adult type. Last evaluated: 2024-05-30. Review status: criteria provided, single submitter. Criteria: ACMG Guidelines, 2015. Collection method: clinical testing. Allele origin: germline.

Blueprint Genetics
Classification: Uncertain significance. Last evaluated: 2023-12-05. Review status: criteria provided, single submitter. Criteria: ACMG Guidelines, 2015. Collection method: clinical testing. Allele origin: germline.

Literature cited by the submitters: PubMed 37509056 (cited by 3billion); PubMed 22383692 (cited by Mayo Clinic Laboratories, Mayo Clinic).